The following is an entry in ClinVar:

NM_001374353.1(GLI2):c.547G>C (p.Val183Leu)

Gene: GLI2 (GLI family zinc finger 2; plus strand). Cytogenetic location: 2q14.2.
Variant type: single nucleotide variant.
Coding change: c.547G>C on transcript NM_001374353.1 (MANE Select); coding-DNA position 547, G replaced by C.
Protein change: p.Val183Leu; replaces valine 183 with leucine.
Molecular consequence: missense variant.
Genome position (GRCh38, 1-based): chr2:120,955,334, G>C. VCF-style: chr2-120955334-G-C. GRCh37 (hg19) VCF-style: chr2-121712910-G-C.
Other names: c.547G>C, p.Val183Leu (NM_001371271.1, NM_005270.5); c.172G>C, p.Val58Leu (NM_001374354.1); short protein forms V183L, V58L.
Identifiers: ClinVar variation 2636591 (VCV002636591.1), dbSNP rs754272697, ClinGen allele CA1851567.

ClinVar aggregate classification (germline): Uncertain significance (1 of 4 stars; one submission).

Conditions:
GLI2-related disorder. Also called: GLI2-related disorders; GLI2-related condition.

Allele frequency attached by ClinVar (database versions not stated): TOPMed 0.00001.
gnomAD v4.1: 42 of 1,613,132 alleles (0.0026%); highest among the groups gnomAD compares: Non-Finnish European, 0.0034%; no homozygotes.

Submission:

PreventionGenetics, part of Exact Sciences
Classification: Uncertain significance for GLI2-related condition. Last evaluated: 2023-07-10. Review status: criteria provided, single submitter. Criteria: ACMG Guidelines, 2015. Collection method: clinical testing. Allele origin: germline.
Comment: The GLI2 c.547G>C variant is predicted to result in the amino acid substitution p.Val183Leu. To our knowledge, this variant has not been reported in the literature. This variant is reported in 0.0018% of alleles in individuals of European (Non-Finnish) descent in gnomAD. At this time, the clinical significance of this variant is uncertain due to the absence of conclusive functional and genetic evidence.